The following is an entry in ClinVar:

ClinVar aggregate classification (germline): Benign/Likely benign. Review status: criteria provided, multiple submitters, no conflicts (2 of 4 stars). 3 submissions from 3 submitters: Benign (1); Likely benign (2). Last evaluated 2025-02-20.

Conditions:
ATM-related cancer predisposition. Also called: ATM-related cancer susceptibility. Identifiers: MedGen CN377759, MONDO:0700270.
Familial cancer of breast. Also called: BREAST CANCER, FAMILIAL; Hereditary breast cancer; hereditary breast carcinoma. Identifiers: Orphanet 227535, MedGen C0346153, MONDO:0016419, OMIM 114480. Disease mechanism: loss of function.
Ataxia-telangiectasia syndrome (AT). Also called: LOUIS-BAR SYNDROME; Cerebello-oculocutaneous telangiectasia; Immunodeficiency with ataxia telangiectasia; Ataxia-telangiectasia, complementation group D; AT, COMPLEMENTATION GROUP C; ATAXIA-TELANGIECTASIA, COMPLEMENTATION GROUP A. Identifiers: Orphanet 100, MedGen C0004135, MONDO:0008840, OMIM 208900.

Submissions (3):

Department of Pathology and Laboratory Medicine, Sinai Health System
Classification: Likely benign for ATM-related cancer predisposition. Last evaluated: 2025-02-20. Review status: criteria provided, single submitter. Criteria: ACMG Guidelines, 2015. Collection method: clinical testing. Allele origin: germline.

Myriad Genetics, Inc.
Classification: Benign for Familial cancer of breast. Last evaluated: 2024-05-17. Review status: criteria provided, single submitter. Criteria: Myriad Autosomal Dominant, Autosomal Recessive and X-Linked Classification Criteria (2023). Collection method: clinical testing. Allele origin: unknown.
Comment: This variant is considered benign. This variant is a silent/synonymous amino acid change and it is not expected to impact splicing.

Labcorp Genetics (formerly Invitae), Labcorp
Classification: Likely benign for Ataxia-telangiectasia syndrome. Last evaluated: 2024-02-25. Review status: criteria provided, single submitter. Criteria: Invitae Variant Classification Sherloc (09022015). Collection method: clinical testing. Allele origin: germline.

NM_000051.4(ATM):c.4269T>C (p.Cys1423=)

Gene: ATM (ATM serine/threonine kinase; plus strand). Cytogenetic location: 11q22.3.
Variant type: single nucleotide variant.
Coding change: c.4269T>C on transcript NM_000051.4 (MANE Select); coding-DNA position 4269, T replaced by C.
Protein change: p.Cys1423=; no amino-acid change (cysteine 1423 retained).
Molecular consequence: synonymous variant.
Genome position (GRCh38, 1-based): chr11:108,289,634, T>C. VCF-style: chr11-108289634-T-C. GRCh37 (hg19) VCF-style: chr11-108160361-T-C.
Other names: c.4269T>C, p.Cys1423= (NM_001351834.2).
Identifiers: ClinVar variation 3254485 (VCV003254485.4), dbSNP rs2135759965.